The following is an entry in ClinVar:

NM_000083.3(CLCN1):c.1097T>C (p.Val366Ala)

Gene: CLCN1 (chloride voltage-gated channel 1; plus strand). Cytogenetic location: 7q34.
Variant type: single nucleotide variant.
Coding change: c.1097T>C on transcript NM_000083.3 (MANE Select); coding-DNA position 1097, T replaced by C.
Protein change: p.Val366Ala; replaces valine 366 with alanine.
Molecular consequence: missense variant. On other transcripts: non-coding transcript variant (1).
Genome position (GRCh38, 1-based): chr7:143,331,583, T>C. VCF-style: chr7-143331583-T-C. GRCh37 (hg19) VCF-style: chr7-143028676-T-C.
Other names: short protein forms V366A.
Identifiers: ClinVar variation 427153 (VCV000427153.6), dbSNP rs1085307989, ClinGen allele CA369642146.

ClinVar aggregate classification (germline): Conflicting classifications of pathogenicity. Review status: criteria provided, conflicting classifications (1 of 4 stars). 3 submissions from 3 submitters: Likely pathogenic (1); Uncertain significance (2). Last evaluated 2025-06-17.

Conditions:
Congenital myotonia, autosomal recessive form. Also called: myotonia congenita, autosomal recessive; BECKER DISEASE; Becker Generalized Myotonia. Identifiers: Orphanet 614, MedGen C0751360, MONDO:0009715, OMIM 255700.
Congenital myotonia, autosomal dominant form (THD). Also called: THOMSEN DISEASE; Myotonia congenita autosomal dominant. Identifiers: Orphanet 614, MedGen C2936781, MONDO:0008055, OMIM 160800.

Allele frequency attached by ClinVar (database versions not stated): gnomAD exomes below 0.00001.
gnomAD v4.1: 5 of 1,614,130 alleles (0.00031%); highest among the groups gnomAD compares: Non-Finnish European, 0.00042%; no homozygotes.

Submissions (3):

Labcorp Genetics (formerly Invitae), Labcorp
Classification: Uncertain significance for Congenital myotonia, autosomal recessive form; Congenital myotonia, autosomal dominant form. Last evaluated: 2025-06-17. Review status: criteria provided, single submitter. Criteria: Invitae Variant Classification Sherloc (09022015). Collection method: clinical testing. Allele origin: germline.
Comment: This sequence change replaces valine, which is neutral and non-polar, with alanine, which is neutral and non-polar, at codon 366 of the CLCN1 protein (p.Val366Ala). This variant is not present in population databases (gnomAD no frequency). This variant has not been reported in the literature in individuals affected with CLCN1-related conditions. ClinVar contains an entry for this variant (Variation ID: 427153). Invitae Evidence Modeling of protein sequence and biophysical properties (such as structural, functional, and spatial information, amino acid conservation, physicochemical variation, residue mobility, and thermodynamic stability) indicates that this missense variant is expected to disrupt CLCN1 protein function with a positive predictive value of 95%. In summary, the available evidence is currently insufficient to determine the role of this variant in disease. Therefore, it has been classified as a Variant of Uncertain Significance.

Revvity Omics, Revvity
Classification: Uncertain significance. Last evaluated: 2021-07-02. Review status: criteria provided, single submitter. Criteria: ACMG Guidelines, 2015. Collection method: clinical testing. Allele origin: germline.

GeneDx
Classification: Likely pathogenic. Last evaluated: 2015-05-14. Review status: criteria provided, single submitter. Criteria: GeneDx Variant Classification (06012015). Collection method: clinical testing. Allele origin: germline. Affected: yes.
Comment: The V366A variant in the CLCN1 gene has not been published as a pathogenic variant, nor has it been reported as a benign polymorphism to our knowledge. The V366A variant was not observed in approximately 6,500 individuals of European and African American ancestry in the NHLBI Exome Sequencing Project, indicating it is not a common benign variant in these populations. Although the V366A variant is a conservative amino acid substitution, which is not likely to impact secondary protein structure as these residues share similar properties, this substitution occurs at a position that is conserved across species. In addition, in silico analysis predicts this variant is probably damaging to the protein structure/function. Moreover, missense variants in nearby residues (G355R, G355E, M373L) have been reported in the Human Gene Mutation Database in association with myotonia (Stenson et al., 2014), supporting the functional importance of this region of the protein. Given the currently available data, we consider the V366A variant to be a strong candidate for a disease-causing variant, however the possibility it may be a rare benign variant cannot be excluded